The following is an entry in ClinVar:

NM_003072.5(SMARCA4):c.4128G>A (p.Glu1376=)

Gene: SMARCA4 (SWI/SNF related BAF chromatin remodeling complex subunit ATPase 4; plus strand). Cytogenetic location: 19p13.2.
Variant type: single nucleotide variant.
Coding change: c.4128G>A on transcript NM_003072.5 (MANE Select); coding-DNA position 4128, G replaced by A.
Protein change: p.Glu1376=; no amino-acid change (glutamic acid 1376 retained).
Molecular consequence: synonymous variant. On other transcripts: non-coding transcript variant (1).
Genome position (GRCh38, 1-based): chr19:11,035,090, G>A. VCF-style: chr19-11035090-G-A. GRCh37 (hg19) VCF-style: chr19-11145766-G-A.
Other names: c.4128G>A, p.Glu1376= (NM_001128844.3, NM_001128849.3, NM_001387283.1); c.4029G>A, p.Glu1343= (NM_001128845.2, NM_001128846.2, NM_001128847.4 and 3 more transcripts).
Identifiers: ClinVar variation 1738057 (VCV001738057.3), dbSNP rs2146703080, ClinGen allele CA505493455.

ClinVar aggregate classification (germline): Benign/Likely benign. Review status: criteria provided, multiple submitters, no conflicts (2 of 4 stars). 2 submissions from 2 submitters: Benign (1); Likely benign (1). Last evaluated 2026-07-17.

Conditions:
Hereditary cancer-predisposing syndrome. Also called: Hereditary neoplastic syndrome; Neoplastic Syndromes, Hereditary; Tumor predisposition; Hereditary Cancer Syndrome. Identifiers: Orphanet 140162, MedGen C0027672, MeSH D009386, MONDO:0015356.
Rhabdoid tumor predisposition syndrome 2 (RTPS2). Identifiers: Orphanet 231108, Orphanet 69077, MedGen C2750074, MONDO:0013224, OMIM 613325.

Submissions (2):

Myriad Genetics, Inc.
Classification: Benign for Rhabdoid tumor predisposition syndrome 2. Last evaluated: 2026-07-17. Review status: criteria provided, single submitter. Criteria: Myriad Autosomal Dominant, Autosomal Recessive and X-Linked Classification Criteria (2023). Collection method: clinical testing. Allele origin: unknown.
Comment: This variant is considered benign. This variant is a silent/synonymous amino acid change and it is not expected to impact splicing.

Ambry Genetics
Classification: Likely benign for Hereditary cancer-predisposing syndrome. Last evaluated: 2020-05-05. Review status: criteria provided, single submitter. Criteria: Ambry Variant Classification Scheme 2023. Collection method: clinical testing. Allele origin: germline.